The following is an entry in ClinVar:

ClinVar aggregate classification (germline): Uncertain significance (1 of 4 stars; one submission).

gnomAD v4.1: 1 of 1,614,214 alleles (0.000062%); highest among the groups gnomAD compares: Non-Finnish European, 0.000085%; no homozygotes.

Submission:

Centre for Mendelian Genomics, University Medical Centre Ljubljana
Classification: Uncertain significance. Last evaluated: 2020-02-25. Review status: criteria provided, single submitter. Criteria: ACMG Guidelines, 2015. Collection method: clinical testing. Allele origin: unknown. Affected: yes.
Comment: This variant was classified as: Uncertain significance. The available evidence on this variant's pathogenicity is insufficient or conflicting. The following ACMG criteria were applied in classifying this variant: PM2,PP3.

NM_004517.4(ILK):c.879G>C (p.Gln293His)

Genes: TAF10 (TATA-box binding protein associated factor 10; minus strand), ILK (integrin linked kinase; plus strand). Cytogenetic location: 11p15.4.
Variant type: single nucleotide variant.
Coding change: c.879G>C on transcript NM_004517.4 (MANE Select); coding-DNA position 879, G replaced by C.
Protein change: p.Gln293His; replaces glutamine 293 with histidine.
Molecular consequence: missense variant. On other transcripts: 3 prime UTR variant (1).
Genome position (GRCh38, 1-based): chr11:6,609,746, G>C. VCF-style: chr11-6609746-G-C. GRCh37 (hg19) VCF-style: chr11-6630977-G-C.
Other names: c.879G>C, p.Gln293His (NM_001014794.3, NM_001014795.3); c.696G>C, p.Gln232His (NM_001278441.2); c.477G>C, p.Gln159His (NM_001278442.2); c.*1176C>G (NM_006284.4); short protein forms Q159H, Q293H, Q232H.
Identifiers: ClinVar variation 931821 (VCV000931821.3), dbSNP rs751035884, ClinGen allele CA379465353.